The following is an entry in ClinVar:

ClinVar aggregate classification (germline): Likely benign (1 of 4 stars; one submission).

Allele frequency attached by ClinVar (database versions not stated): gnomAD exomes below 0.00001.
gnomAD v4.1: 1 of 1,526,434 alleles (0.000066%); highest among the groups gnomAD compares: Non-Finnish European, 0.000088%; no homozygotes.

Submission:

CeGaT Center for Human Genetics Tuebingen
Classification: Likely benign. Last evaluated: 2022-07-01. Review status: criteria provided, single submitter. Criteria: CeGaT Center For Human Genetics Tuebingen Variant Classification Criteria Version 2. Collection method: clinical testing. Allele origin: germline. Affected: yes. Observed: 1 variant allele.
Comment: SPTBN4: PM2:Supporting, BP4, BP7

NM_020971.3(SPTBN4):c.6531G>T (p.Gly2177=)

Gene: SPTBN4 (spectrin beta, non-erythrocytic 4; plus strand). Cytogenetic location: 19q13.2.
Variant type: single nucleotide variant.
Coding change: c.6531G>T on transcript NM_020971.3 (MANE Select); coding-DNA position 6531, G replaced by T.
Protein change: p.Gly2177=; no amino-acid change (glycine 2177 retained).
Molecular consequence: synonymous variant.
Genome position (GRCh38, 1-based): chr19:40,567,857, G>T. VCF-style: chr19-40567857-G-T. GRCh37 (hg19) VCF-style: chr19-41073763-G-T.
Identifiers: ClinVar variation 2649909 (VCV002649909.22), dbSNP rs2145955069, ClinGen allele CA507683342.